The following is an entry in ClinVar:

ClinVar aggregate classification (germline): Uncertain significance (1 of 4 stars; one submission).

Conditions:
Inborn genetic diseases. Identifiers: MedGen C0950123, MeSH D030342.

Submission:

Ambry Genetics
Classification: Uncertain significance for Inborn genetic diseases. Last evaluated: 2024-11-27. Review status: criteria provided, single submitter. Criteria: Ambry Variant Classification Scheme 2023. Collection method: clinical testing. Allele origin: germline.
Comment: The p.S23C variant (also known as c.68C>G), located in coding exon 2 of the DDX41 gene, results from a C to G substitution at nucleotide position 68. The serine at codon 23 is replaced by cysteine, an amino acid with dissimilar properties. This amino acid position is conserved. In addition, this alteration is predicted to be tolerated by in silico analysis. Based on the available evidence, the clinical significance of this variant remains unclear.

NM_016222.4(DDX41):c.68C>G (p.Ser23Cys)

Gene: DDX41 (DEAD-box helicase 41; minus strand). Cytogenetic location: 5q35.3.
Variant type: single nucleotide variant.
Coding change: c.68C>G on transcript NM_016222.4 (MANE Select); coding-DNA position 68, C replaced by G.
Protein change: p.Ser23Cys; replaces serine 23 with cysteine.
Molecular consequence: missense variant. On other transcripts: 5 prime UTR variant (2).
Genome position (GRCh38, 1-based): chr5:177,516,795, G>C on the plus strand (C>G on the coding strand, the complement: DDX41 is on the minus strand). VCF-style: chr5-177516795-G-C. GRCh37 (hg19) VCF-style: chr5-176943796-G-C.
Other names: c.-588C>G (NM_001321732.2); c.-380C>G (NM_001321830.2); short protein forms S23C.
Identifiers: ClinVar variation 3500535 (VCV003500535.1).
Genomic context (GRCh38, chr5:177,516,795, plus strand): 5'-CGGCGCTGCCGTAACGGCACATAGGGCACGTAGTCCTCGTCGTCCTCATCTTCCGCCTCG[G>C]AGCGGCTTCCTCCGGCAGGCACCTCGTCGGTGCGAGCCCGCTGCAAGCACACGCCAGTCA-3'
Protein context (NP_057306.2, residues 13-33): TDEVPAGGSR[Ser23Cys]EAEDEDDEDY